The following is an entry in ClinVar:

NM_000179.3(MSH6):c.1636G>C (p.Glu546Gln)

Gene: MSH6 (mutS homolog 6; plus strand). Cytogenetic location: 2p16.3.
Variant type: single nucleotide variant.
Coding change: c.1636G>C on transcript NM_000179.3 (MANE Select); coding-DNA position 1636, G replaced by C.
Protein change: p.Glu546Gln; replaces glutamic acid 546 with glutamine.
Molecular consequence: missense variant.
Genome position (GRCh38, 1-based): chr2:47,799,619, G>C. VCF-style: chr2-47799619-G-C. GRCh37 (hg19) VCF-style: chr2-48026758-G-C.
Other names: c.1246G>C, p.Glu416Gln (NM_001281492.2); c.730G>C, p.Glu244Gln (NM_001281493.2, NM_001281494.2); short protein forms E546Q, E244Q, E416Q.
Identifiers: ClinVar variation 89212 (VCV000089212.18), dbSNP rs63751172, ClinGen allele CA008977.

ClinVar aggregate classification (germline): Uncertain significance. Review status: criteria provided, multiple submitters, no conflicts (2 of 4 stars). 4 submissions from 4 submitters: Uncertain significance (4). Last evaluated 2025-11-10.

Conditions:
Hereditary nonpolyposis colorectal neoplasms. Identifiers: MedGen C0009405, MeSH D003123.
Hereditary cancer-predisposing syndrome. Also called: Neoplastic Syndromes, Hereditary; Tumor predisposition; Hereditary Cancer Syndrome; Hereditary neoplastic syndrome. Identifiers: Orphanet 140162, MedGen C0027672, MeSH D009386, MONDO:0015356.
Endometrial carcinoma. Also called: Endometrial carcinoma, somatic. Identifiers: MedGen C0476089, MONDO:0002447, OMIM 608089, HP:0012114.

Allele frequency attached by ClinVar (database versions not stated): TOPMed 0.00001.
gnomAD v4.1: 6 of 1,614,118 alleles (0.00037%); highest among the groups gnomAD compares: East Asian, 0.011%; no homozygotes.

Submissions (4):

Labcorp Genetics (formerly Invitae), Labcorp
Classification: Uncertain significance for Hereditary nonpolyposis colorectal neoplasms. Last evaluated: 2025-11-10. Review status: criteria provided, single submitter. Criteria: Invitae Variant Classification Sherloc (09022015). Collection method: clinical testing. Allele origin: germline.
Comment: This sequence change replaces glutamic acid, which is acidic and polar, with glutamine, which is neutral and polar, at codon 546 of the MSH6 protein (p.Glu546Gln). This variant is not present in population databases (gnomAD no frequency). This missense change has been observed in individual(s) with hereditary nonpolyposis colorectal cancer, biliary tract cancer (PMID: 9354786, 36243179). ClinVar contains an entry for this variant (Variation ID: 89212). Invitae Evidence Modeling of protein sequence and biophysical properties (such as structural, functional, and spatial information, amino acid conservation, physicochemical variation, residue mobility, and thermodynamic stability) indicates that this missense variant is not expected to disrupt MSH6 protein function with a negative predictive value of 95%. In summary, the available evidence is currently insufficient to determine the role of this variant in disease. Therefore, it has been classified as a Variant of Uncertain Significance.

Ambry Genetics
Classification: Uncertain significance for Hereditary cancer-predisposing syndrome. Last evaluated: 2024-12-18. Review status: criteria provided, single submitter. Criteria: Ambry Variant Classification Scheme 2023. Collection method: clinical testing. Allele origin: germline.
Comment: The p.E546Q variant (also known as c.1636G>C), located in coding exon 4 of the MSH6 gene, results from a G to C substitution at nucleotide position 1636. The glutamic acid at codon 546 is replaced by glutamine, an amino acid with highly similar properties. This alteration has been previously detected in individuals with colorectal cancer (Miyaki M et al. Nat Genet, 1997 Nov;17:271-2; DeRycke MS et al. Mol Genet Genomic Med, 2017 Sep;5:553-569; Raskin L et al. Oncotarget, 2017 Nov;8:93450-93463). This amino acid position is well conserved in available vertebrate species. In addition, this alteration is predicted to be tolerated by in silico analysis. Based on the available evidence, the clinical significance of this variant remains unclear.

GeneDx
Classification: Uncertain significance. Last evaluated: 2024-11-06. Review status: criteria provided, single submitter. Criteria: GeneDx Variant Classification Process June 2021. Collection method: clinical testing. Allele origin: germline.
Comment: Not observed at significant frequency in large population cohorts (gnomAD); In silico analysis indicates that this missense variant does not alter protein structure/function; This variant is associated with the following publications: (PMID: 9354786, 17531815, 21120944, 36243179, 29212164, 28944238)

Baylor Genetics
Classification: Uncertain significance for Endometrial carcinoma. Last evaluated: 2023-12-05. Review status: criteria provided, single submitter. Criteria: ACMG Guidelines, 2015. Collection method: clinical testing. Allele origin: unknown.

Literature cited by the submitters: PubMed 9354786 (cited by Labcorp Genetics (formerly Invitae), Labcorp and Ambry Genetics); PubMed 36243179 (cited by Labcorp Genetics (formerly Invitae), Labcorp); PubMed 28944238 (cited by Ambry Genetics); PubMed 29212164 (cited by Ambry Genetics).